The following is an entry in ClinVar:

NM_001128.6(AP1G1):c.469-5_469-4insT

Gene: AP1G1 (adaptor related protein complex 1 subunit gamma 1; minus strand). Cytogenetic location: 16q22.2.
Variant type: Insertion.
Coding change: c.469-5_469-4insT on transcript NM_001128.6 (MANE Select); 5 bases into the intron before coding-DNA position 469 through 4 bases into the intron before coding-DNA position 469, T inserted.
Molecular consequence: intron variant.
Genome position: GRCh38 VCF-style: chr16-71771256-T-TA. GRCh37 (hg19) VCF-style: chr16-71805159-T-TA.
Other names: c.469-5_469-4insT (NM_001030007.2).
Identifiers: ClinVar variation 3056675 (VCV003056675.2), dbSNP rs546053980, ClinGen allele CA8156498.

ClinVar aggregate classification (germline): Likely benign (0 of 4 stars; one submission).

Conditions:
AP1G1-related disorder. Also called: AP1G1-related condition.

Allele frequency attached by ClinVar (database versions not stated): 1000 Genomes Project 0.00240.

Submission:

PreventionGenetics, part of Exact Sciences
Classification: Likely benign for AP1G1-related condition. Last evaluated: 2023-02-28. Review status: no assertion criteria provided. Collection method: clinical testing. Allele origin: germline.
Comment: This variant is classified as likely benign based on ACMG/AMP sequence variant interpretation guidelines (Richards et al. 2015 PMID: 25741868, with internal and published modifications).